The following is an entry in ClinVar:

ClinVar aggregate classification (germline): Conflicting classifications of pathogenicity. Review status: criteria provided, conflicting classifications (1 of 4 stars). 4 submissions from 4 submitters: Uncertain significance (2); Likely benign (1). 1 of the submissions does not count toward it. Last evaluated 2024-12-04.

Conditions:
Hereditary cancer-predisposing syndrome. Also called: Neoplastic Syndromes, Hereditary; Tumor predisposition; Hereditary Cancer Syndrome; Hereditary neoplastic syndrome. Identifiers: Orphanet 140162, MedGen C0027672, MeSH D009386, MONDO:0015356.
Bloom syndrome (BLM). Also called: Bloom-Torre-Machacek syndrome. Identifiers: Orphanet 125, MedGen C0005859, MONDO:0008876, OMIM 210900.

Allele frequency attached by ClinVar (database versions not stated): gnomAD exomes below 0.00001; gnomAD 0.00001; TOPMed 0.00002.
gnomAD v4.1: 6 of 1,612,276 alleles (0.00037%); highest among the groups gnomAD compares: African/African-American, 0.008%; no homozygotes.

Submissions (4):

Labcorp Genetics (formerly Invitae), Labcorp
Classification: Uncertain significance for Bloom syndrome. Last evaluated: 2024-12-04. Review status: criteria provided, single submitter. Criteria: Invitae Variant Classification Sherloc (09022015). Collection method: clinical testing. Allele origin: germline.
Comment: This sequence change replaces arginine, which is basic and polar, with lysine, which is basic and polar, at codon 1098 of the BLM protein (p.Arg1098Lys). The frequency data for this variant in the population databases is considered unreliable, as metrics indicate poor data quality at this position in the gnomAD database. This variant has not been reported in the literature in individuals affected with BLM-related conditions. ClinVar contains an entry for this variant (Variation ID: 649801). An algorithm developed to predict the effect of missense changes on protein structure and function outputs the following: PolyPhen-2: "Benign". The lysine amino acid residue is found in multiple mammalian species, which suggests that this missense change does not adversely affect protein function. In summary, the available evidence is currently insufficient to determine the role of this variant in disease. Therefore, it has been classified as a Variant of Uncertain Significance.

GeneDx
Classification: Uncertain significance. Last evaluated: 2024-09-01. Review status: criteria provided, single submitter. Criteria: GeneDx Variant Classification Process June 2021. Collection method: clinical testing. Allele origin: germline. Affected: yes.
Comment: Not observed at significant frequency in large population cohorts (gnomAD); In silico analysis indicates that this missense variant does not alter protein structure/function; Has not been previously published as pathogenic or benign to our knowledge

Ambry Genetics
Classification: Likely benign for Hereditary cancer-predisposing syndrome. Last evaluated: 2024-03-14. Review status: criteria provided, single submitter. Criteria: Ambry Variant Classification Scheme 2023. Collection method: clinical testing. Allele origin: germline.

Natera, Inc.
Classification: Uncertain significance for Bloom syndrome. Last evaluated: 2020-09-16. Review status: no assertion criteria provided. Collection method: clinical testing. Allele origin: germline. Not counted in ClinVar's aggregate classification.

NM_000057.4(BLM):c.3293G>A (p.Arg1098Lys)

Gene: BLM (BLM RecQ like helicase; plus strand). Cytogenetic location: 15q26.1.
Variant type: single nucleotide variant.
Coding change: c.3293G>A on transcript NM_000057.4 (MANE Select); coding-DNA position 3293, G replaced by A.
Protein change: p.Arg1098Lys; replaces arginine 1098 with lysine.
Molecular consequence: missense variant.
Genome position (GRCh38, 1-based): chr15:90,798,272, G>A. VCF-style: chr15-90798272-G-A. GRCh37 (hg19) VCF-style: chr15-91341502-G-A.
Other names: c.3293G>A, p.Arg1098Lys (NM_001287246.2, NM_001287247.2); c.2168G>A, p.Arg723Lys (NM_001287248.2); c.3293G>A (NM_000057.2); short protein forms R1098K, R723K.
Identifiers: ClinVar variation 649801 (VCV000649801.9), dbSNP rs912777535, ClinGen allele CA274770409.